The following is an entry in ClinVar:

ClinVar aggregate classification (germline): Likely pathogenic (1 of 4 stars; one submission).

Conditions:
Intellectual developmental disorder with or without epilepsy or cerebellar ataxia. Identifiers: MedGen C4748041, MONDO:0060745, OMIM 618060.

Submission:

3billion
Classification: Likely pathogenic for Intellectual developmental disorder with or without epilepsy or cerebellar ataxia. Last evaluated: 2025-02-04. Review status: criteria provided, single submitter. Criteria: ACMG Guidelines, 2015. Collection method: clinical testing. Allele origin: germline. Affected: yes.
Comment: The variant is not observed in the gnomAD v4.1.0 dataset. Predicted Consequence/Location: Canonical splice site: predicted to alter splicing and result in a loss or disruption of normal protein function. Multiple pathogenic loss-of-function variants are reported downstream of the variant. In silico tools predict the variant to alter splicing and produce an abnormal transcript [SpliceAI: 0.70 (spliceogenicity >=0.2, non-spliceogenicity <0.1)]. Therefore, this variant is classified as Likely pathogenic according to the recommendation of ACMG/AMP guideline.

NM_134261.3(RORA):c.424+2T>C

Genes: RORA (RAR related orphan receptor A; minus strand), RORA-AS1 (RORA antisense RNA 1; plus strand). Cytogenetic location: 15q22.2.
Variant type: single nucleotide variant.
Coding change: c.424+2T>C on transcript NM_134261.3 (MANE Select); the canonical splice donor site of the intron after coding-DNA position 424, T replaced by C.
Molecular consequence: splice donor variant.
Genome position (GRCh38, 1-based): chr15:60,514,614, A>G on the plus strand (T>C on the coding strand, the complement: RORA is on the minus strand). VCF-style: chr15-60514614-A-G. GRCh37 (hg19) VCF-style: chr15-60806813-A-G.
Other names: c.523+2T>C (NM_134260.3); c.499+2T>C (NM_002943.4); c.259+2T>C (NM_134262.3).
Identifiers: ClinVar variation 4293228 (VCV004293228.1).